The following is an entry in ClinVar:

ClinVar aggregate classification (germline): Benign (1 of 4 stars; one submission).

Conditions:
Sessile serrated polyposis cancer syndrome (SSPCS). Identifiers: Orphanet 157798, MedGen C4310714, MONDO:0014919, OMIM 617108.

gnomAD v4.1: 1 of 1,614,138 alleles (0.000062%); highest among the groups gnomAD compares: Non-Finnish European, 0.000085%; no homozygotes.

Submission:

Myriad Genetics, Inc.
Classification: Benign for Sessile serrated polyposis cancer syndrome. Last evaluated: 2026-07-01. Review status: criteria provided, single submitter. Criteria: Myriad Autosomal Dominant, Autosomal Recessive and X-Linked Classification Criteria (2023). Collection method: clinical testing. Allele origin: unknown.
Comment: This variant is considered benign. This variant is a silent/synonymous amino acid change and it is not expected to impact splicing.

NM_017763.6(RNF43):c.885T>C (p.His295=)

Gene: RNF43 (ring finger protein 43; minus strand). Cytogenetic location: 17q22.
Variant type: single nucleotide variant.
Coding change: c.885T>C on transcript NM_017763.6 (MANE Select); coding-DNA position 885, T replaced by C.
Protein change: p.His295=; no amino-acid change (histidine 295 retained).
Molecular consequence: synonymous variant.
Genome position (GRCh38, 1-based): chr17:58,360,216, A>G on the plus strand (T>C on the coding strand, the complement: RNF43 is on the minus strand). VCF-style: chr17-58360216-A-G. GRCh37 (hg19) VCF-style: chr17-56437577-A-G.
Other names: c.885T>C, p.His295= (NM_001305544.3, NM_001438820.1, NM_001438821.1 and 1 more transcripts); c.504T>C, p.His168= (NM_001305545.2, NM_001437987.1).
Identifiers: ClinVar variation 5042409 (VCV005042409.1).
Genomic context (GRCh38, chr17:58,360,216, plus strand): 5'-GTTGAACATGCAGAGGGGGCAAGTCCGATGCTGATGTAACCAGGGGTCCACACAGTTACG[A>G]TGGAACTCATGGAGGCAGGAAATGACCCGTAGCTCCTGGAGAAAAAGAGGGGGTCCAAAC-3'
Protein context (NP_060233.3, residues 285-305): LRVISCLHEF[His295=]RNCVDPWLHQ